The following is an entry in ClinVar:

ClinVar aggregate classification (germline): Uncertain significance (1 of 4 stars; one submission).

Conditions:
Infantile spasms. Also called: Infantile spasm. Identifiers: MedGen C3887898, HP:0012469.

Allele frequency attached by ClinVar (database versions not stated): gnomAD exomes below 0.00001; TOPMed below 0.00001.
gnomAD v4.1: 1 of 1,614,114 alleles (0.000062%); no homozygotes.

Submission:

Labcorp Genetics (formerly Invitae), Labcorp
Classification: Uncertain significance for Infantile spasms. Last evaluated: 2019-02-19. Review status: criteria provided, single submitter. Criteria: Invitae Variant Classification Sherloc (09022015). Collection method: clinical testing. Allele origin: germline.
Comment: This sequence change creates a premature translational stop signal (p.Arg639*) in the PIK3AP1 gene. It is expected to result in an absent or disrupted protein product. In summary, the available evidence is currently insufficient to determine the role of this variant in disease. Therefore, it has been classified as a Variant of Uncertain Significance. The current clinical and genetic evidence is not sufficient to establish whether loss-of-function variants in PIK3AP1 cause disease. This variant has not been reported in the literature in individuals with PIK3AP1-related conditions. This variant is not present in population databases (ExAC no frequency).

NM_152309.3(PIK3AP1):c.1915C>T (p.Arg639Ter)

Gene: PIK3AP1 (phosphoinositide-3-kinase adaptor protein 1; minus strand). Cytogenetic location: 10q24.1.
Variant type: single nucleotide variant.
Coding change: c.1915C>T on transcript NM_152309.3 (MANE Select); coding-DNA position 1915, C replaced by T.
Protein change: p.Arg639Ter; replaces arginine 639 with a stop codon.
Molecular consequence: nonsense.
Genome position (GRCh38, 1-based): chr10:96,620,378, G>A on the plus strand (C>T on the coding strand, the complement: PIK3AP1 is on the minus strand). VCF-style: chr10-96620378-G-A. GRCh37 (hg19) VCF-style: chr10-98380135-G-A.
Other names: short protein forms R639*.
Identifiers: ClinVar variation 844810 (VCV000844810.8), dbSNP rs1843059517, ClinGen allele CA377754895.